The following is an entry in ClinVar:

NM_000038.6(APC):c.8384C>G (p.Ala2795Gly)

Gene: APC (APC regulator of Wnt signaling pathway; plus strand). Cytogenetic location: 5q22.2.
Variant type: single nucleotide variant.
Coding change: c.8384C>G on transcript NM_000038.6 (MANE Select); coding-DNA position 8384, C replaced by G.
Protein change: p.Ala2795Gly; replaces alanine 2795 with glycine.
Molecular consequence: missense variant.
Genome position (GRCh38, 1-based): chr5:112,843,978, C>G. VCF-style: chr5-112843978-C-G. GRCh37 (hg19) VCF-style: chr5-112179675-C-G.
Other names: c.8384C>G, p.Ala2795Gly (NM_001127510.3, NM_001354895.2); c.8330C>G, p.Ala2777Gly (NM_001127511.3); c.8438C>G, p.Ala2813Gly (NM_001354896.2); c.8414C>G, p.Ala2805Gly (NM_001354897.2); c.8309C>G, p.Ala2770Gly (NM_001354898.2); c.8300C>G, p.Ala2767Gly (NM_001354899.2); c.8261C>G, p.Ala2754Gly (NM_001354900.2); c.8207C>G, p.Ala2736Gly (NM_001354901.2); and 5 more; short protein forms A2635G, A2704G, A2736G, A2767G, A2770G, A2795G, A2805G, A2777G.
Identifiers: ClinVar variation 822359 (VCV000822359.8), dbSNP rs1580693000, ClinGen allele CA16039530.
Genomic context (GRCh38, chr5:112,843,978, plus strand): 5'-GGACTGTTGCTGCCAGAGTGACTCCTTTTAATTACAACCCAAGCCCTAGGAAAAGCAGCG[C>G]AGATAGCACTTCAGCTCGGCCATCTCAGATCCCAACTCCAGTGAATAACAACACAAAGAA-3'
Protein context (NP_000029.2, residues 2785-2805): NYNPSPRKSS[Ala2795Gly]DSTSARPSQI

ClinVar aggregate classification (germline): Uncertain significance. Review status: criteria provided, multiple submitters, no conflicts (2 of 4 stars). 3 submissions from 3 submitters: Uncertain significance (3). Last evaluated 2023-04-27.

Conditions:
Hereditary cancer-predisposing syndrome. Also called: Tumor predisposition; Hereditary Cancer Syndrome; Neoplastic Syndromes, Hereditary; Hereditary neoplastic syndrome. Identifiers: Orphanet 140162, MedGen C0027672, MeSH D009386, MONDO:0015356.
Familial adenomatous polyposis 1 (FAP1). Also called: FAMILIAL ADENOMATOUS POLYPOSIS 1, ATTENUATED; POLYPOSIS, ADENOMATOUS INTESTINAL. Identifiers: MedGen C2713442, MONDO:0021056, OMIM 175100. Disease mechanism: loss of function.
Classic or attenuated familial adenomatous polyposis. Identifiers: MedGen CN372698, MONDO:0021057.

Submissions (3):

All of Us Research Program, National Institutes of Health
Classification: Uncertain significance for Classic or attenuated familial adenomatous polyposis. Last evaluated: 2023-04-27. Review status: criteria provided, single submitter. Criteria: ACMG Guidelines, 2015. Collection method: clinical testing. Allele origin: germline. Inheritance: Autosomal dominant inheritance. Observed: 1 variant allele, 1 heterozygote.
Comment: This study involves interpretation of variants in research participants for the purpose of population health screening. Participant phenotype was not available at the time of variant classification. Additional details can be found in publication PMID: 35346344, PMCID: PMC8962531

Labcorp Genetics (formerly Invitae), Labcorp
Classification: Uncertain significance for Familial adenomatous polyposis 1. Last evaluated: 2022-04-25. Review status: criteria provided, single submitter. Criteria: Invitae Variant Classification Sherloc (09022015). Collection method: clinical testing. Allele origin: germline.
Comment: This sequence change replaces alanine, which is neutral and non-polar, with glycine, which is neutral and non-polar, at codon 2795 of the APC protein (p.Ala2795Gly). This variant is not present in population databases (gnomAD no frequency). This variant has not been reported in the literature in individuals affected with APC-related conditions. ClinVar contains an entry for this variant (Variation ID: 822359). Algorithms developed to predict the effect of missense changes on protein structure and function (SIFT, PolyPhen-2, Align-GVGD) all suggest that this variant is likely to be tolerated. In summary, the available evidence is currently insufficient to determine the role of this variant in disease. Therefore, it has been classified as a Variant of Uncertain Significance.

Ambry Genetics
Classification: Uncertain significance for Hereditary cancer-predisposing syndrome. Last evaluated: 2019-11-30. Review status: criteria provided, single submitter. Criteria: Ambry Variant Classification Scheme 2023. Collection method: clinical testing. Allele origin: germline.
Comment: The p.A2795G variant (also known as c.8384C>G), located in coding exon 15 of the APC gene, results from a C to G substitution at nucleotide position 8384. The alanine at codon 2795 is replaced by glycine, an amino acid with similar properties. This amino acid position is well conserved in available vertebrate species. In addition, in silico predictors for this gene do not accurately predict pathogenicity. Since supporting evidence is limited at this time, the clinical significance of this alteration remains unclear.